The following is an entry in ClinVar:

NM_000021.4(PSEN1):c.461A>G (p.Tyr154Cys)

Gene: PSEN1 (presenilin 1; plus strand). Cytogenetic location: 14q24.2.
Variant type: single nucleotide variant.
Coding change: c.461A>G on transcript NM_000021.4 (MANE Select); coding-DNA position 461, A replaced by G.
Protein change: p.Tyr154Cys; replaces tyrosine 154 with cysteine.
Molecular consequence: missense variant.
Genome position (GRCh38, 1-based): chr14:73,173,688, A>G. VCF-style: chr14-73173688-A-G. GRCh37 (hg19) VCF-style: chr14-73640396-A-G.
Other names: c.449A>G, p.Tyr150Cys (NM_007318.3); short protein forms Y154C, Y150C.
Identifiers: ClinVar variation 98033 (VCV000098033.2), dbSNP rs63751292, ClinGen allele CA225029.

ClinVar aggregate classification (germline): Pathogenic. Review status: no assertion criteria provided (0 of 4 stars). 2 submissions from 2 submitters: Pathogenic (1). 1 of the submissions does not count toward it. Last evaluated 2026-04-20.

Conditions:
Alzheimer disease 3 (AD3). Also called: ALZHEIMER DISEASE, FAMILIAL, 3. Identifiers: Orphanet 1020, MedGen C1843013, MONDO:0011913, OMIM 607822.

Submissions (2):

Medical Genetics Unit, Mauro Baschirotto Institute for Rare Disease
Classification: Pathogenic for Alzheimer disease 3. Last evaluated: 2026-04-20. Review status: no assertion criteria provided. Collection method: clinical testing. Allele origin: germline. Affected: yes. Observed: 1 variant allele.
Comment: This variant was interpreted by the AD-FTD Italian Consortium, including the following participating institutions: Mauro Baschirotto Institute for Rare Disease, Medical Genetics Unit (Dr Paola de Gemmis, Dr Daniela Segat, Dr Chiara Stefani); Neurology Unit, Department of Biomedicine, Neurosciences and Advanced Diagnostics, University of Palermo, Italy (Dr Tommaso Piccoli); Neurology Unit, Santa Maria della Misericordia Hospital, Perugia, Italy (Dr Lorenzo Gaetani). The participating laboratories jointly contributed to patient recruitment, clinical data collection, and variant interpretation and classification. The variant c.461A>G results in the amino acid substitution of a tyrosine residue with a cysteine at codon 154 of the PSEN1 protein. This is a missense change between two neutral polar residues. It is located in exon 5 of the gene, only one affected carrier has been reported in CinVar without co-segregation data, and the variant is absent, or very rare, in population databases. This variant is non-truncating and non-synonymous and is located in exon 5 mutational hot spot. These observations support a pathogenic role (37 pathogenic or likely pathogenic reported variants were found in a 142bp region surrounding this variant in exon 5 within the region 73173565-73173707 without any missense benign variants). Moreover, PSEN1 is a gene with a low rate of benign missense mutations and for which missense mutation is a common mechanism of disease. Computational prediction tools unanimously support a deleterious effect on the gene. SIFT prediction (deleterious supporting, score 0), FATHMM prediction (deleterious moderate, score -6.46), MutationTaster: (deleterious, score 1) and REVEL deleterious strong, score 0.98). Tyr154 in TM2 domain forms hydrogen bonds with Glu280. Mutations in Glu280 may disrupt this contact and reduce the PSEN1 protein production. We can therefore hypothesize that the same occurs when Tyr154 is mutated. The altered conformation could result in abnormal APP cleavage and production of long amyloid peptides. This variant has been observed in two patients with Early Onset Alzheimer disease and a severe stage of dementia. Taken together all of these data suggest a pathogenic classification for this variant.

VIB  Department of Molecular Genetics, University of Antwerp
No classification provided. Review status: no classification provided. Collection method: not provided. Allele origin: not provided. Not counted in ClinVar's aggregate classification.